The following is an entry in ClinVar:

ClinVar aggregate classification (germline): Likely pathogenic (1 of 4 stars; one submission).

Conditions:
Retinitis pigmentosa 54 (RP54). Identifiers: Orphanet 791, MedGen C3150691, MONDO:0013263, OMIM 613428.

Submission:

Ocular Genomics Institute, Massachusetts Eye and Ear
Classification: Likely pathogenic for Retinitis pigmentosa 54. Last evaluated: 2021-04-08. Review status: criteria provided, single submitter. Criteria: ACMG Guidelines, 2015. Collection method: research. Allele origin: germline. Affected: yes.
Comment: Through a review of available evidence we were able to apply the following criteria: PVS1, PM2. Based on this evidence we have classified this variant as Likely Pathogenic.

NM_001029883.3(PCARE):c.1612C>T (p.Gln538Ter)

Gene: PCARE (photoreceptor cilium actin regulator; minus strand). Cytogenetic location: 2p23.2.
Variant type: single nucleotide variant.
Coding change: c.1612C>T on transcript NM_001029883.3 (MANE Select); coding-DNA position 1612, C replaced by T.
Protein change: p.Gln538Ter; replaces glutamine 538 with a stop codon.
Molecular consequence: nonsense.
Genome position (GRCh38, 1-based): chr2:29,072,650, G>A on the plus strand (C>T on the coding strand, the complement: PCARE is on the minus strand). VCF-style: chr2-29072650-G-A. GRCh37 (hg19) VCF-style: chr2-29295516-G-A.
Other names: short protein forms Q538*.
Identifiers: ClinVar variation 1065729 (VCV001065729.1), dbSNP rs2148416171, ClinGen allele CA346479298.